The following is an entry in ClinVar:

NC_000002.11:g.(241723234_241724405)_(241737230_241759538)del

Gene: KIF1A (kinesin family member 1A; minus strand). Cytogenetic location: 2q37.3.
Variant type: Deletion.
Identifiers: ClinVar variation 3384975 (VCV003384975.1).

ClinVar aggregate classification (germline): Pathogenic (1 of 4 stars; one submission).

Conditions:
Hereditary spastic paraplegia 30. Identifiers: Orphanet 101010, MedGen C5235139, MONDO:0012476.

Submission:

Women's Health and Genetics/Laboratory Corporation of America, LabCorp
Classification: Pathogenic for Hereditary spastic paraplegia 30. Last evaluated: 2024-10-02. Review status: criteria provided, single submitter. Criteria: LabCorp Variant Classification Summary - May 2015. Collection method: clinical testing. Allele origin: germline.
Comment: Variant summary: The variant involves the deletion of exons 2-7 in the KIF1A gene. A presumed nomenclature of c.(-61+1_-60-1)_(720+1_721-1)del has been designated for the purposes of this classification. The exact breakpoint at the 5' end of this variant is unknown, therefore this deletion may extend upstream of the annotated region of this gene. Although the exact breakpoints of this deletion are not known, it is predicted to remove the initiation codon and result in an absence of protein or a truncation of the encoded protein due to translation initiation at a downstream site. The variant was absent in 21694 control chromosomes. To our knowledge, no occurrence of c.(-61+1_-60-1)_(720+1_721-1)del in individuals affected with Hereditary Spastic Paraplegia 30 and no experimental evidence demonstrating its impact on protein function have been reported. No submitters have cited clinical-significance assessments for this variant to ClinVar. Based on the evidence outlined above, the variant was classified as pathogenic.